The following is an entry in ClinVar:

ClinVar aggregate classification (germline): VUS-high (1 of 4 stars; one submission).

Conditions:
Cardiac valvular defect, developmental (CVDP1). Also called: CARDIAC VALVULAR DYSPLASIA 1. Identifiers: MedGen C5774175, MONDO:0008913, OMIM 212093.

Submission:

Center for Molecular Medicine, Children’s Hospital of Fudan University
Classification: VUS-high for Cardiac valvular defect, developmental. Last evaluated: 2025-12-12. Review status: criteria provided, single submitter. Criteria: ACMG Guidelines 2015. Collection method: clinical testing. Allele origin: maternal. Affected: no.
Comment: PM3+PM2_Supp+PP3

NM_002662.5(PLD1):c.1297T>A (p.Tyr433Asn)

Gene: PLD1 (phospholipase D1; minus strand). Cytogenetic location: 3q26.31.
Variant type: single nucleotide variant.
Coding change: c.1297T>A on transcript NM_002662.5 (MANE Select); coding-DNA position 1297, T replaced by A.
Protein change: p.Tyr433Asn; replaces tyrosine 433 with asparagine.
Molecular consequence: missense variant.
Genome position (GRCh38, 1-based): chr3:171,692,373, A>T on the plus strand (T>A on the coding strand, the complement: PLD1 is on the minus strand). VCF-style: chr3-171692373-A-T. GRCh37 (hg19) VCF-style: chr3-171410163-A-T.
Other names: c.1297T>A, p.Tyr433Asn (NM_001130081.3); short protein forms Y433N.
Identifiers: ClinVar variation 5037761 (VCV005037761.1).